The following is an entry in ClinVar:

ClinVar aggregate classification (germline): Likely benign. Review status: criteria provided, multiple submitters, no conflicts (2 of 4 stars). 2 submissions from 2 submitters: Likely benign (2). Last evaluated 2025-07-01.

gnomAD v4.1: 185 of 1,550,870 alleles (0.012%); highest among the groups gnomAD compares: African/African-American, 0.02%; 1 homozygote.

Submissions (2):

CeGaT Center for Human Genetics Tuebingen
Classification: Likely benign. Last evaluated: 2025-07-01. Review status: criteria provided, single submitter. Criteria: CeGaT Center For Human Genetics Tuebingen Variant Classification Criteria Version 2. Collection method: clinical testing. Allele origin: germline. Affected: yes. Observed: 1 variant allele.
Comment: WDR81: BP4, BP7

Blueprint Genetics
Classification: Likely benign. Last evaluated: 2024-07-06. Review status: criteria provided, single submitter. Criteria: ACMG Guidelines, 2015. Collection method: clinical testing. Allele origin: germline.

NM_001163809.2(WDR81):c.3042C>T (p.Gly1014=)

Gene: WDR81 (WD repeat domain 81; plus strand). Cytogenetic location: 17p13.3.
Variant type: single nucleotide variant.
Coding change: c.3042C>T on transcript NM_001163809.2 (MANE Select); coding-DNA position 3042, C replaced by T.
Protein change: p.Gly1014=; no amino-acid change (glycine 1014 retained).
Molecular consequence: synonymous variant. On other transcripts: 5 prime UTR variant (1), intron variant (2).
Genome position (GRCh38, 1-based): chr17:1,728,001, C>T. VCF-style: chr17-1728001-C-T. GRCh37 (hg19) VCF-style: chr17-1631295-C-T.
Other names: c.-112C>T (NM_152348.4); c.59-2379C>T (NM_001163673.2); c.-14-2379C>T (NM_001163811.2).
Identifiers: ClinVar variation 4084088 (VCV004084088.9).